The following is an entry in ClinVar:

ClinVar aggregate classification (germline): Pathogenic. Review status: criteria provided, multiple submitters, no conflicts (2 of 4 stars). 2 submissions from 2 submitters: Pathogenic (2). Last evaluated 2025-03-11.

Conditions:
X-linked Alport syndrome (ATS1). Also called: COL4A5-Related Nephropathy; NEPHROPATHY AND DEAFNESS, X-LINKED. Identifiers: Orphanet 63, Orphanet 88917, MedGen C4746986, MONDO:0010520, OMIM 301050.

Submissions (2):

Labcorp Genetics (formerly Invitae), Labcorp
Classification: Pathogenic. Last evaluated: 2025-03-11. Review status: criteria provided, single submitter. Criteria: Invitae Variant Classification Sherloc (09022015). Collection method: clinical testing. Allele origin: germline.
Comment: This sequence change affects an acceptor splice site in intron 18 of the COL4A5 gene. It is expected to disrupt RNA splicing. Variants that disrupt the donor or acceptor splice site typically lead to a loss of protein function (PMID: 16199547), and loss-of-function variants in COL4A5 are known to be pathogenic (PMID: 9195222, 10752524, 14514738, 24854265, 26809805). This variant is not present in population databases (gnomAD no frequency). Disruption of this splice site has been observed in individual(s) with clinical features of COL4A5-related conditions (PMID: 34733972). It has also been observed to segregate with disease in related individuals. ClinVar contains an entry for this variant (Variation ID: 931906). Algorithms developed to predict the effect of sequence changes on RNA splicing suggest that this variant may disrupt the consensus splice site. For these reasons, this variant has been classified as Pathogenic.

Centre for Mendelian Genomics, University Medical Centre Ljubljana
Classification: Pathogenic for X-linked Alport syndrome. Last evaluated: 2018-10-16. Review status: criteria provided, single submitter. Criteria: ACMG Guidelines, 2015. Collection method: clinical testing. Allele origin: unknown. Affected: yes.
Comment: This variant was classified as: Pathogenic. The following ACMG criteria were applied in classifying this variant: PVS1,PM2,PP4. This variant was detected in hemizygous state.

Literature cited by the submitters: PubMed 16199547 (cited by Labcorp Genetics (formerly Invitae), Labcorp); PubMed 9195222 (cited by Labcorp Genetics (formerly Invitae), Labcorp); PubMed 10752524 (cited by Labcorp Genetics (formerly Invitae), Labcorp); PubMed 14514738 (cited by Labcorp Genetics (formerly Invitae), Labcorp); PubMed 24854265 (cited by Labcorp Genetics (formerly Invitae), Labcorp); PubMed 26809805 (cited by Labcorp Genetics (formerly Invitae), Labcorp); PubMed 34733972 (cited by Labcorp Genetics (formerly Invitae), Labcorp).

NM_033380.3(COL4A5):c.1033-1G>A

Gene: COL4A5 (collagen type IV alpha 5 chain; plus strand). Cytogenetic location: Xq22.3.
Variant type: single nucleotide variant.
Coding change: c.1033-1G>A on transcript NM_033380.3 (MANE Select); the canonical splice acceptor site of the intron before coding-DNA position 1033, G replaced by A.
Molecular consequence: splice acceptor variant.
Genome position (GRCh38, 1-based): chrX:108,586,614, G>A. VCF-style: chrX-108586614-G-A. GRCh37 (hg19) VCF-style: chrX-107829844-G-A.
Other names: c.1033-1G>A (NM_000495.5).
Identifiers: ClinVar variation 931906 (VCV000931906.4), dbSNP rs2066339336, ClinGen allele CA413929565.